The following is an entry in ClinVar:

ClinVar aggregate classification (germline): Conflicting classifications of pathogenicity. Review status: criteria provided, conflicting classifications (1 of 4 stars). 2 submissions from 2 submitters: Uncertain significance (1); Likely benign (1). Last evaluated 2023-03-23.

Conditions:
Breast-ovarian cancer, familial, susceptibility to, 2 (BROVCA2). Also called: BRCA2 Hereditary Breast and Ovarian Cancer. Identifiers: Orphanet 145, MedGen C2675520, MONDO:0012933, OMIM 612555. Disease mechanism: loss of function.
Hereditary cancer-predisposing syndrome. Also called: Hereditary neoplastic syndrome; Hereditary Cancer Syndrome; Tumor predisposition; Neoplastic Syndromes, Hereditary. Identifiers: Orphanet 140162, MedGen C0027672, MeSH D009386, MONDO:0015356.

Submissions (2):

University of Washington Department of Laboratory Medicine, University of Washington
Classification: Likely benign for Hereditary cancer-predisposing syndrome. Last evaluated: 2023-03-23. Review status: criteria provided, single submitter. Criteria: Dines et al. (Genet Med. 2020). Collection method: curation. Allele origin: germline.
Comment: Missense variant in a coldspot region where missense variants are very unlikely to be pathogenic (PMID:31911673).

BRCA2 exon 10 coldspot. Reclassification based on statistical prior probability.

Laboratorio de Genetica e Diagnostico Molecular, Hospital Israelita Albert Einstein
Classification: Uncertain significance for Breast-ovarian cancer, familial, susceptibility to, 2. Last evaluated: 2022-09-27. Review status: criteria provided, single submitter. Criteria: ACMG Guidelines, 2015. Collection method: clinical testing. Allele origin: germline. Affected: yes. Observed: 1 variant allele.
Comment: ACMG classification criteria: PM2 moderated, BP4 supporting

NM_000059.4(BRCA2):c.875A>T (p.Glu292Val)

Gene: BRCA2 (BRCA2 DNA repair associated; plus strand). Cytogenetic location: 13q13.1.
Variant type: single nucleotide variant.
Coding change: c.875A>T on transcript NM_000059.4 (MANE Select); coding-DNA position 875, A replaced by T.
Protein change: p.Glu292Val; replaces glutamic acid 292 with valine.
Molecular consequence: missense variant.
Genome position (GRCh38, 1-based): chr13:32,332,353, A>T. VCF-style: chr13-32332353-A-T. GRCh37 (hg19) VCF-style: chr13-32906490-A-T.
Other names: c.875A>T, p.Glu292Val (NM_001406719.1, NM_001406720.1, NM_001406721.1); short protein forms E292V.
Identifiers: ClinVar variation 2431816 (VCV002431816.3), dbSNP rs1593891360, ClinGen allele CA387760611.